The following is an entry in ClinVar:

NM_006494.4(ERF):c.1222G>A (p.Gly408Arg)

Gene: ERF (ETS2 repressor factor; minus strand). Cytogenetic location: 19q13.2.
Variant type: single nucleotide variant.
Coding change: c.1222G>A on transcript NM_006494.4 (MANE Select); coding-DNA position 1222, G replaced by A.
Protein change: p.Gly408Arg; replaces glycine 408 with arginine.
Molecular consequence: missense variant.
Genome position (GRCh38, 1-based): chr19:42,248,890, C>T on the plus strand (G>A on the coding strand, the complement: ERF is on the minus strand). VCF-style: chr19-42248890-C-T. GRCh37 (hg19) VCF-style: chr19-42753042-C-T.
Other names: c.997G>A, p.Gly333Arg (NM_001301035.2, NM_001308402.2, NM_001312656.2); short protein forms G333R, G408R.
Identifiers: ClinVar variation 1402375 (VCV001402375.6), dbSNP rs764764288, ClinGen allele CA9471223.

ClinVar aggregate classification (germline): Uncertain significance (1 of 4 stars; one submission).

Conditions:
TWIST1-related craniosynostosis (CRS1). Also called: CRANIOSYNOSTOSIS 1. Identifiers: Orphanet 63440, MedGen C4551902, MONDO:0007399, OMIM 123100. Inheritance: Heterogenous inheritance pattern.

Allele frequency attached by ClinVar (database versions not stated): TOPMed 0.00002; ExAC 0.00003; gnomAD exomes 0.00003.

Submission:

Labcorp Genetics (formerly Invitae), Labcorp
Classification: Uncertain significance for TWIST1-related craniosynostosis. Last evaluated: 2022-10-17. Review status: criteria provided, single submitter. Criteria: Invitae Variant Classification Sherloc (09022015). Collection method: clinical testing. Allele origin: germline.
Comment: In summary, the available evidence is currently insufficient to determine the role of this variant in disease. Therefore, it has been classified as a Variant of Uncertain Significance. Advanced modeling of protein sequence and biophysical properties (such as structural, functional, and spatial information, amino acid conservation, physicochemical variation, residue mobility, and thermodynamic stability) performed at Invitae indicates that this missense variant is not expected to disrupt ERF protein function. ClinVar contains an entry for this variant (Variation ID: 1402375). This variant has not been reported in the literature in individuals affected with ERF-related conditions. This variant is present in population databases (rs764764288, gnomAD 0.006%). This sequence change replaces glycine, which is neutral and non-polar, with arginine, which is basic and polar, at codon 408 of the ERF protein (p.Gly408Arg).